The following is an entry in ClinVar:

ClinVar aggregate classification (germline): Uncertain significance. Review status: criteria provided, multiple submitters, no conflicts (2 of 4 stars). 2 submissions from 2 submitters: Uncertain significance (2). Last evaluated 2022-11-15.

Conditions:
Charcot-Marie-Tooth disease axonal type 2P. Also called: Charcot-Marie-Tooth Neuropathy Type 2G; CHARCOT-MARIE-TOOTH NEUROPATHY, TYPE 2P; CHARCOT-MARIE-TOOTH DISEASE, AXONAL, TYPE 2G; CMT 2G. Identifiers: Orphanet 300319, Orphanet 99941, MedGen C3280797, MONDO:0013753, OMIM 614436.
Inborn genetic diseases. Identifiers: MedGen C0950123, MeSH D030342.

Allele frequency attached by ClinVar (database versions not stated): gnomAD exomes 0.00002; ExAC 0.00004.
gnomAD v4.1: 8 of 1,614,250 alleles (0.0005%); highest among the groups gnomAD compares: Non-Finnish European, 0.00059%; no homozygotes.

Submissions (2):

Labcorp Genetics (formerly Invitae), Labcorp
Classification: Uncertain significance for Charcot-Marie-Tooth disease axonal type 2P. Last evaluated: 2022-11-15. Review status: criteria provided, single submitter. Criteria: Invitae Variant Classification Sherloc (09022015). Collection method: clinical testing. Allele origin: germline.
Comment: This sequence change replaces aspartic acid, which is acidic and polar, with alanine, which is neutral and non-polar, at codon 233 of the LRSAM1 protein (p.Asp233Ala). This variant is present in population databases (rs747872731, gnomAD 0.004%). This variant has not been reported in the literature in individuals affected with LRSAM1-related conditions. ClinVar contains an entry for this variant (Variation ID: 1523929). Advanced modeling of protein sequence and biophysical properties (such as structural, functional, and spatial information, amino acid conservation, physicochemical variation, residue mobility, and thermodynamic stability) performed at Invitae indicates that this missense variant is expected to disrupt LRSAM1 protein function. In summary, the available evidence is currently insufficient to determine the role of this variant in disease. Therefore, it has been classified as a Variant of Uncertain Significance.

Ambry Genetics
Classification: Uncertain significance for Inborn genetic diseases. Last evaluated: 2021-05-22. Review status: criteria provided, single submitter. Criteria: Ambry Variant Classification Scheme 2023. Collection method: clinical testing. Allele origin: germline.
Comment: The p.D233A variant (also known as c.698A>C), located in coding exon 9 of the LRSAM1 gene, results from an A to C substitution at nucleotide position 698. The aspartic acid at codon 233 is replaced by alanine, an amino acid with dissimilar properties. This amino acid position is highly conserved in available vertebrate species. In addition, the in silico prediction for this alteration is inconclusive. Since supporting evidence is limited at this time, the clinical significance of this alteration remains unclear.

NM_001005373.4(LRSAM1):c.698A>C (p.Asp233Ala)

Gene: LRSAM1 (leucine rich repeat and sterile alpha motif containing 1; plus strand). Cytogenetic location: 9q33.3.
Variant type: single nucleotide variant.
Coding change: c.698A>C on transcript NM_001005373.4 (MANE Select); coding-DNA position 698, A replaced by C.
Protein change: p.Asp233Ala; replaces aspartic acid 233 with alanine.
Molecular consequence: missense variant. On other transcripts: 5 prime UTR variant (1), non-coding transcript variant (2).
Genome position (GRCh38, 1-based): chr9:127,473,879, A>C. VCF-style: chr9-127473879-A-C. GRCh37 (hg19) VCF-style: chr9-130236158-A-C.
Other names: c.698A>C, p.Asp233Ala (NM_001005374.4, NM_001190723.3, NM_001384142.1 and 2 more transcripts); c.-87A>C (NM_001384144.1); short protein forms D233A.
Identifiers: ClinVar variation 1523929 (VCV001523929.10), dbSNP rs747872731, ClinGen allele CA5246652.